The following is an entry in ClinVar:

NM_007315.4(STAT1):c.1127+4C>T

Gene: STAT1 (signal transducer and activator of transcription 1; minus strand). Cytogenetic location: 2q32.2.
Variant type: single nucleotide variant.
Coding change: c.1127+4C>T on transcript NM_007315.4 (MANE Select); 4 bases into the intron after coding-DNA position 1127, C replaced by T.
Molecular consequence: intron variant.
Genome position (GRCh38, 1-based): chr2:190,987,035, G>A on the plus strand (C>T on the coding strand, the complement: STAT1 is on the minus strand). VCF-style: chr2-190987035-G-A. GRCh37 (hg19) VCF-style: chr2-191851761-G-A.
Other names: c.1037+4C>T (NM_001384890.1); c.1028+4C>T (NM_001384883.1); c.968+4C>T (NM_001384885.1); c.1034+4C>T (NM_001384887.1); c.1067+4C>T (NM_001384880.1); c.1098-88C>T (NM_001384888.1); c.1127+4C>T (NM_001384882.1, NM_001384889.1, NM_001384886.1 and 1 more transcripts); c.1163+4C>T (NM_001384891.1); and 1 more.
Identifiers: ClinVar variation 474980 (VCV000474980.42), dbSNP rs372508550, ClinGen allele CA2030035.

ClinVar aggregate classification (germline): Conflicting classifications of pathogenicity. Review status: criteria provided, conflicting classifications (1 of 4 stars). 3 submissions from 3 submitters: Uncertain significance (2); Likely benign (1). Last evaluated 2025-07-28.

Conditions:
Immunodeficiency 31B. Also called: IMMUNODEFICIENCY 31B, MYCOBACTERIAL AND VIRAL INFECTIONS, AUTOSOMAL RECESSIVE; STAT1 DEFICIENCY, AUTOSOMAL RECESSIVE. Identifiers: Orphanet 391311, MedGen C3151088, MONDO:0013427, OMIM 613796.
Autoimmune enteropathy and endocrinopathy - susceptibility to chronic infections syndrome. Also called: Immunodeficiency 31C; Immunodeficiency 31C, autosomal dominant. Identifiers: Orphanet 391487, MedGen C3279990, MONDO:0013599, OMIM 614162.
Mendelian susceptibility to mycobacterial diseases due to partial STAT1 deficiency. Also called: IMMUNODEFICIENCY 31A, MYCOBACTERIOSIS, AUTOSOMAL DOMINANT; STAT1 DEFICIENCY, AUTOSOMAL DOMINANT; Immunodeficiency 31a. Identifiers: Orphanet 319595, MedGen C4013950, MONDO:0013956, OMIM 614892.

Allele frequency attached by ClinVar (database versions not stated): ExAC 0.00002; gnomAD exomes 0.00004 and 0.00012; gnomAD 0.00005 and 0.00007; TOPMed 0.00006; ESP Exome Variant Server 0.00023.
gnomAD v4.1: 179 of 1,610,090 alleles (0.011%); highest among the groups gnomAD compares: Non-Finnish European, 0.014%; no homozygotes.

Submissions (3):

Labcorp Genetics (formerly Invitae), Labcorp
Classification: Uncertain significance for Mendelian susceptibility to mycobacterial diseases due to partial STAT1 deficiency; Immunodeficiency 31B; Autoimmune enteropathy and endocrinopathy - susceptibility to chronic infections syndrome. Last evaluated: 2025-07-28. Review status: criteria provided, single submitter. Criteria: Invitae Variant Classification Sherloc (09022015). Collection method: clinical testing. Allele origin: germline.
Comment: This sequence change falls in intron 13 of the STAT1 gene. It does not directly change the encoded amino acid sequence of the STAT1 protein. It affects a nucleotide within the consensus splice site. This variant is present in population databases (rs372508550, gnomAD 0.02%). This variant has not been reported in the literature in individuals affected with STAT1-related conditions. ClinVar contains an entry for this variant (Variation ID: 474980). Variants that disrupt the consensus splice site are a relatively common cause of aberrant splicing (PMID: 17576681, 9536098). Algorithms developed to predict the effect of sequence changes on RNA splicing suggest that this variant is not likely to affect RNA splicing. In summary, the available evidence is currently insufficient to determine the role of this variant in disease. Therefore, it has been classified as a Variant of Uncertain Significance.

Blueprint Genetics
Classification: Likely benign. Last evaluated: 2023-09-22. Review status: criteria provided, single submitter. Criteria: ACMG Guidelines, 2015. Collection method: clinical testing. Allele origin: germline.

CeGaT Center for Human Genetics Tuebingen
Classification: Uncertain significance. Last evaluated: 2021-02-01. Review status: criteria provided, single submitter. Criteria: CeGaT Center For Human Genetics Tuebingen Variant Classification Criteria Version 2. Collection method: clinical testing. Allele origin: germline. Affected: yes. Observed: 1 variant allele.

Literature cited by the submitters: PubMed 17576681 (cited by Labcorp Genetics (formerly Invitae), Labcorp); PubMed 9536098 (cited by Labcorp Genetics (formerly Invitae), Labcorp).